The following is an entry in ClinVar:

ClinVar aggregate classification (germline): Uncertain significance. Review status: criteria provided, multiple submitters, no conflicts (2 of 4 stars). 2 submissions from 2 submitters: Uncertain significance (2). Last evaluated 2026-08-26.

Allele frequency attached by ClinVar (database versions not stated): gnomAD exomes below 0.00001; TOPMed below 0.00001; gnomAD 0.00001.
gnomAD v4.1: 7 of 1,539,952 alleles (0.00045%); highest among the groups gnomAD compares: African/African-American, 0.0014%; no homozygotes.

Submissions (2):

GeneDx
Classification: Uncertain significance. Last evaluated: 2026-08-26. Review status: criteria provided, single submitter. Criteria: GeneDx Variant Classification Process June 2021. Collection method: clinical testing. Allele origin: germline.
Comment: Identified in a patient with epilepsy who also harbored a variant in the SCN2A gene (PMID: 35571021); In silico analysis supports that this missense variant has a deleterious effect on protein structure/function; This variant is associated with the following publications: (PMID: 35571021)

CeGaT Center for Human Genetics Tuebingen
Classification: Uncertain significance. Last evaluated: 2025-12-01. Review status: criteria provided, single submitter. Criteria: CeGaT Center For Human Genetics Tuebingen Variant Classification Criteria Version 2. Collection method: clinical testing. Allele origin: germline. Affected: yes. Observed: 1 variant allele.

NM_057175.5(NAA15):c.1786C>T (p.Arg596Cys)

Gene: NAA15 (N-alpha-acetyltransferase 15, NatA auxiliary subunit; plus strand). Cytogenetic location: 4q31.1.
Variant type: single nucleotide variant.
Coding change: c.1786C>T on transcript NM_057175.5 (MANE Select); coding-DNA position 1786, C replaced by T.
Protein change: p.Arg596Cys; replaces arginine 596 with cysteine.
Molecular consequence: missense variant.
Genome position (GRCh38, 1-based): chr4:139,370,243, C>T. VCF-style: chr4-139370243-C-T. GRCh37 (hg19) VCF-style: chr4-140291397-C-T.
Other names: c.1786C>T, p.Arg596Cys (NM_001410842.1); c.*195C>T (NM_025085.2); short protein forms R596C.
Identifiers: ClinVar variation 2579583 (VCV002579583.7), dbSNP rs1293081829, ClinGen allele CA358269401.
Genomic context (GRCh38, chr4:139,370,243, plus strand): 5'-ATTTTATTAATTAACTTATTGCCTGCAGCAAACATGTCTGACAAAGAGCTAAAGAAGCTA[C>T]GTAATAAACAAAGAAGAGCTCAAAAGAAAGCCCAGATAGAAGAAGAGAAAAAAAATGCAG-3'
Protein context (NP_476516.1, residues 586-606): NMSDKELKKL[Arg596Cys]NKQRRAQKKA